The following is an entry in ClinVar:

NM_012238.5(SIRT1):c.1125A>C (p.Lys375Asn)

Gene: SIRT1 (sirtuin 1; plus strand). Cytogenetic location: 10q21.3.
Variant type: single nucleotide variant.
Coding change: c.1125A>C on transcript NM_012238.5 (MANE Select); coding-DNA position 1125, A replaced by C.
Protein change: p.Lys375Asn; replaces lysine 375 with asparagine.
Molecular consequence: missense variant.
Genome position (GRCh38, 1-based): chr10:67,908,080, A>C. VCF-style: chr10-67908080-A-C. GRCh37 (hg19) VCF-style: chr10-69667837-A-C.
Other names: c.240A>C, p.Lys80Asn (NM_001142498.2); c.216A>C, p.Lys72Asn (NM_001314049.2); short protein forms K72N, K80N, K375N.
Identifiers: ClinVar variation 3012455 (VCV003012455.3), dbSNP rs2492951297, ClinGen allele CA377045439.
Genomic context (GRCh38, chr10:67,908,080, plus strand): 5'-AGCATATATATGTTGTTTGTTTTTAGGTTCCTTTGCAACAGCATCTTGCCTGATTTGTAA[A>C]TACAAAGTTGACTGTGAAGCTGTACGAGGAGATATTTTTAATCAGGTAATTTGTTGCCCA-3'
Protein context (NP_036370.2, residues 365-385): SFATASCLIC[Lys375Asn]YKVDCEAVRG

ClinVar aggregate classification (germline): Uncertain significance (1 of 4 stars; one submission).

Submission:

Labcorp Genetics (formerly Invitae), Labcorp
Classification: Uncertain significance. Last evaluated: 2024-02-05. Review status: criteria provided, single submitter. Criteria: Invitae Variant Classification Sherloc (09022015). Collection method: clinical testing. Allele origin: germline.
Comment: This sequence change replaces lysine, which is basic and polar, with asparagine, which is neutral and polar, at codon 375 of the SIRT1 protein (p.Lys375Asn). This variant is not present in population databases (gnomAD no frequency). This variant has not been reported in the literature in individuals affected with SIRT1-related conditions. An algorithm developed to predict the effect of missense changes on protein structure and function (PolyPhen-2) suggests that this variant is likely to be disruptive. In summary, the available evidence is currently insufficient to determine the role of this variant in disease. Therefore, it has been classified as a Variant of Uncertain Significance.